The following is an entry in ClinVar:

NM_001130987.2(DYSF):c.2570C>T (p.Pro857Leu)

Gene: DYSF (dysferlin; plus strand). Cytogenetic location: 2p13.2.
Variant type: single nucleotide variant.
Coding change: c.2570C>T on transcript NM_001130987.2 (MANE Select); coding-DNA position 2570, C replaced by T.
Protein change: p.Pro857Leu; replaces proline 857 with leucine.
Molecular consequence: missense variant.
Genome position (GRCh38, 1-based): chr2:71,567,955, C>T. VCF-style: chr2-71567955-C-T. GRCh37 (hg19) VCF-style: chr2-71795085-C-T.
Other names: c.2519C>T, p.Pro840Leu (NM_001130455.2, NM_001130983.2); c.2474C>T, p.Pro825Leu (NM_001130976.2, NM_001130977.2); c.2516C>T, p.Pro839Leu (NM_001130978.2, NM_003494.4); c.2609C>T, p.Pro870Leu (NM_001130979.2); c.2567C>T, p.Pro856Leu (NM_001130980.2, NM_001130981.2); c.2612C>T, p.Pro871Leu (NM_001130982.2); c.2477C>T, p.Pro826Leu (NM_001130984.2, NM_001130986.2); c.2570C>T, p.Pro857Leu (NM_001130985.2); short protein forms P839L, P857L, P825L, P826L, P870L, P840L, P856L, P871L.
Identifiers: ClinVar variation 288976 (VCV000288976.14), dbSNP rs759412160, ClinGen allele CA1706225.

ClinVar aggregate classification (germline): Uncertain significance. Review status: criteria provided, multiple submitters, no conflicts (2 of 4 stars). 6 submissions from 6 submitters: Uncertain significance (5). 1 of the submissions does not count toward it. Last evaluated 2025-09-11.

Conditions:
Inborn genetic diseases. Identifiers: MedGen C0950123, MeSH D030342.
Neuromuscular disease caused by qualitative or quantitative defects of dysferlin. Also called: Dysferlinopathy; Qualitative or quantitative defects of dysferlin. Identifiers: Orphanet 207073, MedGen C2931687, MONDO:0016145.
Autosomal recessive limb-girdle muscular dystrophy. Identifiers: Orphanet 102015, MedGen C2931907, MONDO:0015152.
Autosomal recessive limb-girdle muscular dystrophy type 2B (LGMDR2). Also called: Limb-Girdle Muscular Dystrophy Type 2B (LGMD2B); Limb-girdle muscular dystrophy, type 2B; MUSCULAR DYSTROPHY, LIMB-GIRDLE, TYPE 3; MUSCULAR DYSTROPHY, LIMB-GIRDLE, AUTOSOMAL RECESSIVE 2. Identifiers: Orphanet 268, MedGen C1850889, MONDO:0009676, OMIM 253601.

Allele frequency attached by ClinVar (database versions not stated): gnomAD 0.00001; gnomAD exomes 0.00001 and 0.00002; ExAC 0.00002; TOPMed 0.00005.
gnomAD v4.1: 21 of 1,613,902 alleles (0.0013%); highest among the groups gnomAD compares: East Asian, 0.0067%; no homozygotes.

Submissions (6):

Myriad Genetics, Inc.
Classification: Uncertain significance for Autosomal recessive limb-girdle muscular dystrophy. Last evaluated: 2025-09-11. Review status: criteria provided, single submitter. Criteria: Myriad Autosomal Dominant, Autosomal Recessive and X-Linked Classification Criteria (2023). Collection method: clinical testing. Allele origin: unknown.
Comment: NM_003494.3(DYSF):c.2516C>T(P839L) is a missense variant classified as a variant of uncertain significance in the context of dysferlinopathy. P839L has been observed in cases with relevant disease (PMID: 39678382). Relevant functional assessments of this variant are not available in the literature. P839L has been observed in referenced population frequency databases. In summary, there is insufficient evidence to classify NM_003494.3(DYSF):c.2516C>T(P839L) as pathogenic or benign. Please note: this variant was assessed in the context of healthy population screening.

Labcorp Genetics (formerly Invitae), Labcorp
Classification: Uncertain significance for Neuromuscular disease caused by qualitative or quantitative defects of dysferlin. Last evaluated: 2025-07-21. Review status: criteria provided, single submitter. Criteria: Invitae Variant Classification Sherloc (09022015). Collection method: clinical testing. Allele origin: germline.
Comment: This sequence change replaces proline, which is neutral and non-polar, with leucine, which is neutral and non-polar, at codon 839 of the DYSF protein (p.Pro839Leu). This variant is present in population databases (rs759412160, gnomAD 0.006%). This variant has not been reported in the literature in individuals affected with DYSF-related conditions. ClinVar contains an entry for this variant (Variation ID: 288976). Invitae Evidence Modeling of protein sequence and biophysical properties (such as structural, functional, and spatial information, amino acid conservation, physicochemical variation, residue mobility, and thermodynamic stability) indicates that this missense variant is not expected to disrupt DYSF protein function with a negative predictive value of 95%. In summary, the available evidence is currently insufficient to determine the role of this variant in disease. Therefore, it has been classified as a Variant of Uncertain Significance.

Revvity Omics, Revvity
Classification: Uncertain significance. Last evaluated: 2024-07-30. Review status: criteria provided, single submitter. Criteria: ACMG Guidelines, 2015. Collection method: clinical testing. Allele origin: germline.

Ambry Genetics
Classification: Uncertain significance for Inborn genetic diseases. Last evaluated: 2023-12-21. Review status: criteria provided, single submitter. Criteria: Ambry Variant Classification Scheme 2023. Collection method: clinical testing. Allele origin: germline.

Eurofins Ntd Llc (ga)
Classification: Uncertain significance. Last evaluated: 2016-07-18. Review status: criteria provided, single submitter. Criteria: EGL Classification Definitions 2015. Collection method: clinical testing. Allele origin: germline. Observed: 1 variant allele, 1 heterozygote.

Natera, Inc.
Classification: Uncertain significance for Limb-girdle muscular dystrophy type 2B. Last evaluated: 2020-05-21. Review status: no assertion criteria provided. Collection method: clinical testing. Allele origin: germline. Not counted in ClinVar's aggregate classification.

Literature cited by the submitters: PubMed 39678382 (cited by Myriad Genetics, Inc.).